The following is an entry in ClinVar:

ClinVar aggregate classification (germline): Conflicting classifications of pathogenicity. Review status: criteria provided, conflicting classifications (1 of 4 stars). 2 submissions from 2 submitters: Uncertain significance (1); Likely benign (1). Last evaluated 2025-10-28.

Conditions:
Cardiomyopathy (CMYO). Also called: Cardiomyopathies. Identifiers: Orphanet 167848, MedGen C0878544, MONDO:0004994, HP:0001638. Inheritance: Various modes of inheritance.
Arrhythmogenic right ventricular dysplasia 8 (ARVD8). Also called: Arrhythmogenic Right Ventricular Dysplasia/Cardiomyopathy 8; ARRHYTHMOGENIC RIGHT VENTRICULAR DYSPLASIA, FAMILIAL, 8; ARRHYTHMOGENIC RIGHT VENTRICULAR CARDIOMYOPATHY 8. Identifiers: MedGen C1843896, MONDO:0011831, OMIM 607450.
Arrhythmogenic cardiomyopathy with wooly hair and keratoderma. Also called: Dilated cardiomyopathy with woolly hair and keratoderma; Carvajal syndrome; Arrhythmogenic cardiomyopathy with woolly hair and keratoderma; PALMOPLANTAR KERATODERMA WITH LEFT VENTRICULAR CARDIOMYOPATHY AND WOOLLY HAIR. Identifiers: Orphanet 65282, MedGen C1854063, MONDO:0011581, OMIM 605676.

Allele frequency attached by ClinVar (database versions not stated): gnomAD exomes below 0.00001; ExAC 0.00001; gnomAD 0.00001; TOPMed 0.00001.
gnomAD v4.1: 5 of 1,614,102 alleles (0.00031%); highest among the groups gnomAD compares: African/African-American, 0.0013%; no homozygotes.

Submissions (2):

Labcorp Genetics (formerly Invitae), Labcorp
Classification: Likely benign for Arrhythmogenic cardiomyopathy with wooly hair and keratoderma; Arrhythmogenic right ventricular dysplasia 8. Last evaluated: 2025-10-28. Review status: criteria provided, single submitter. Criteria: Invitae Variant Classification Sherloc (09022015). Collection method: clinical testing. Allele origin: germline.

Color Diagnostics, LLC DBA Color Health
Classification: Uncertain significance for Cardiomyopathy. Last evaluated: 2024-03-06. Review status: criteria provided, single submitter. Criteria: ACMG Guidelines, 2015. Collection method: clinical testing. Allele origin: germline.
Comment: This missense variant replaces lysine with arginine at codon 1988 of the DSP protein. Computational prediction suggests that this variant may not impact protein structure and function (internally defined REVEL score threshold <= 0.5, PMID: 27666373). To our knowledge, functional studies have not been reported for this variant. This variant has not been reported in individuals affected with cardiovascular disorders in the literature. This variant has been identified in 1/251438 chromosomes in the general population by the Genome Aggregation Database (gnomAD). The available evidence is insufficient to determine the role of this variant in disease conclusively. Therefore, this variant is classified as a Variant of Uncertain Significance.

NM_004415.4(DSP):c.5963A>G (p.Lys1988Arg)

Gene: DSP (desmoplakin; plus strand). Cytogenetic location: 6p24.3.
Variant type: single nucleotide variant.
Coding change: c.5963A>G on transcript NM_004415.4 (MANE Select); coding-DNA position 5963, A replaced by G.
Protein change: p.Lys1988Arg; replaces lysine 1988 with arginine.
Molecular consequence: missense variant.
Genome position (GRCh38, 1-based): chr6:7,583,225, A>G. VCF-style: chr6-7583225-A-G. GRCh37 (hg19) VCF-style: chr6-7583458-A-G.
Other names: c.4166A>G, p.Lys1389Arg (NM_001008844.3); c.4634A>G, p.Lys1545Arg (NM_001319034.2); short protein forms K1389R, K1545R, K1988R.
Identifiers: ClinVar variation 1001486 (VCV001001486.11), dbSNP rs767516148, ClinGen allele CA046168.
Genomic context (GRCh38, chr6:7,583,225, plus strand): 5'-TTGATGGGCTGAGGAAGAAGGTGACAGCAATGCAGCTCTATGAGTGTCAGCTGATCGACA[A>G]AACAACCTTGGACAAACTATTGAAGGGGAAGAAGTCAGTGGAAGAAGTTGCTTCTGAAAT-3'
Protein context (NP_004406.2, residues 1978-1998): MQLYECQLID[Lys1988Arg]TTLDKLLKGK